The following is an entry in ClinVar:

ClinVar aggregate classification (germline): Uncertain significance. Review status: criteria provided, multiple submitters, no conflicts (2 of 4 stars). 2 submissions from 2 submitters: Uncertain significance (2). Last evaluated 2024-04-16.

Conditions:
Pseudohypoaldosteronism type 2B (PHA2B). Also called: Pseudohypoaldosteronism Type IIB. Identifiers: Orphanet 757, Orphanet 88939, MedGen C1840390, MONDO:0013777, OMIM 614491.

Allele frequency attached by ClinVar (database versions not stated): ExAC 0.00003; gnomAD 0.00005; TOPMed 0.00005.
gnomAD v4.1: 103 of 1,605,896 alleles (0.0064%); highest among the groups gnomAD compares: Non-Finnish European, 0.0078%; no homozygotes.

Submissions (2):

Fulgent Genetics
Classification: Uncertain significance for Pseudohypoaldosteronism type 2B. Last evaluated: 2024-04-16. Review status: criteria provided, single submitter. Criteria: ACMG Guidelines, 2015. Collection method: clinical testing. Allele origin: germline.

Labcorp Genetics (formerly Invitae), Labcorp
Classification: Uncertain significance. Last evaluated: 2023-09-12. Review status: criteria provided, single submitter. Criteria: Invitae Variant Classification Sherloc (09022015). Collection method: clinical testing. Allele origin: germline.
Comment: In summary, the available evidence is currently insufficient to determine the role of this variant in disease. Therefore, it has been classified as a Variant of Uncertain Significance. Advanced modeling of protein sequence and biophysical properties (such as structural, functional, and spatial information, amino acid conservation, physicochemical variation, residue mobility, and thermodynamic stability) performed at Invitae indicates that this missense variant is not expected to disrupt WNK4 protein function. This variant has not been reported in the literature in individuals affected with WNK4-related conditions. This variant is present in population databases (rs774472658, gnomAD 0.005%). This sequence change replaces leucine, which is neutral and non-polar, with valine, which is neutral and non-polar, at codon 28 of the WNK4 protein (p.Leu28Val).

NM_032387.5(WNK4):c.82C>G (p.Leu28Val)

Gene: WNK4 (WNK lysine deficient protein kinase 4; plus strand). Cytogenetic location: 17q21.2.
Variant type: single nucleotide variant.
Coding change: c.82C>G on transcript NM_032387.5 (MANE Select); coding-DNA position 82, C replaced by G.
Protein change: p.Leu28Val; replaces leucine 28 with valine.
Molecular consequence: missense variant. On other transcripts: 5 prime UTR variant (1).
Genome position (GRCh38, 1-based): chr17:42,780,780, C>G. VCF-style: chr17-42780780-C-G. GRCh37 (hg19) VCF-style: chr17-40932798-C-G.
Other names: c.-838C>G (NM_001321299.2); short protein forms L28V.
Identifiers: ClinVar variation 2900927 (VCV002900927.4), dbSNP rs774472658, ClinGen allele CA8583608.
Genomic context (GRCh38, chr17:42,780,780, plus strand): 5'-GAGACCACCGTCCTCATGTCCCAGACTGAGGCCGACCTGGCCCTGCGGCCCCCGCCTCCT[C>G]TTGGCACCGCGGGGCAGCCCCGCCTCGGGCCCCCTCCTCGCCGAGCGCGCCGCTTCTCCG-3'
Protein context (NP_115763.2, residues 18-38): ADLALRPPPP[Leu28Val]GTAGQPRLGP